The following is an entry in ClinVar:

NM_000553.6(WRN):c.404A>G (p.Lys135Arg)

Gene: WRN (WRN RecQ like helicase; plus strand). Cytogenetic location: 8p12.
Variant type: single nucleotide variant.
Coding change: c.404A>G on transcript NM_000553.6 (MANE Select); coding-DNA position 404, A replaced by G.
Protein change: p.Lys135Arg; replaces lysine 135 with arginine.
Molecular consequence: missense variant.
Genome position (GRCh38, 1-based): chr8:31,064,963, A>G. VCF-style: chr8-31064963-A-G. GRCh37 (hg19) VCF-style: chr8-30922479-A-G.
Other names: short protein forms K135R.
Identifiers: ClinVar variation 1410235 (VCV001410235.6), dbSNP rs1563329896, ClinGen allele CA370914717.
Genomic context (GRCh38, chr8:31,064,963, plus strand): 5'-AAAATGTTACAGTTTTTCCCCAGGGATTAAAAATGTTGCTTGAAAATAAAGCAGTTAAAA[A>G]GGCAGGTGTAGGAATTGAAGGAGATCAGTGGAAACTTCTACGTGACTTTGATATCAAATT-3'
Protein context (NP_000544.2, residues 125-145): KMLLENKAVK[Lys135Arg]AGVGIEGDQW

ClinVar aggregate classification (germline): Uncertain significance (1 of 4 stars; one submission).

Conditions:
Werner syndrome (WRN). Identifiers: Orphanet 902, MedGen C0043119, MONDO:0010196, OMIM 277700.

gnomAD v4.1: 2 of 1,613,764 alleles (0.00012%); highest among the groups gnomAD compares: Non-Finnish European, 0.00017%; no homozygotes.

Submission:

Labcorp Genetics (formerly Invitae), Labcorp
Classification: Uncertain significance for Werner syndrome. Last evaluated: 2021-04-12. Review status: criteria provided, single submitter. Criteria: Invitae Variant Classification Sherloc (09022015). Collection method: clinical testing. Allele origin: germline.
Comment: This sequence change replaces lysine with arginine at codon 135 of the WRN protein (p.Lys135Arg). The lysine residue is highly conserved and there is a small physicochemical difference between lysine and arginine. In summary, the available evidence is currently insufficient to determine the role of this variant in disease. Therefore, it has been classified as a Variant of Uncertain Significance. Algorithms developed to predict the effect of missense changes on protein structure and function are either unavailable or do not agree on the potential impact of this missense change (SIFT: "Not Available"; PolyPhen-2: "Probably Damaging"; Align-GVGD: "Not Available"). This variant is not present in population databases (ExAC no frequency).